The following is an entry in ClinVar:

NM_001365951.3(KIF1B):c.404A>G (p.Asn135Ser)

Genes: KIF1B (kinesin family member 1B; plus strand), LOC129388447 (MPRA-validated peak65 silencer; plus strand). Cytogenetic location: 1p36.22.
Variant type: single nucleotide variant.
Coding change: c.404A>G on transcript NM_001365951.3 (MANE Select); coding-DNA position 404, A replaced by G.
Protein change: p.Asn135Ser; replaces asparagine 135 with serine.
Molecular consequence: missense variant.
Genome position (GRCh38, 1-based): chr1:10,261,945, A>G. VCF-style: chr1-10261945-A-G. GRCh37 (hg19) VCF-style: chr1-10322003-A-G.
Other names: c.404A>G, p.Asn135Ser (NM_001365952.1, NM_001365953.1, NM_015074.3 and 1 more transcripts); short protein forms N135S.
Identifiers: ClinVar variation 1737337 (VCV001737337.3), dbSNP rs764364465, ClinGen allele CA580690.

ClinVar aggregate classification (germline): Uncertain significance (1 of 4 stars; one submission).

Allele frequency attached by ClinVar (database versions not stated): gnomAD exomes below 0.00001; TOPMed below 0.00001; ExAC 0.00001.
gnomAD v4.1: 2 of 1,612,056 alleles (0.00012%); highest among the groups gnomAD compares: Admixed American, 0.0017%; no homozygotes.

Submission:

Ambry Genetics
Classification: Uncertain significance. Last evaluated: 2024-06-01. Review status: criteria provided, single submitter. Criteria: Ambry Variant Classification Scheme 2023. Collection method: clinical testing. Allele origin: germline.
Comment: The p.N135S variant (also known as c.404A>G), located in coding exon 4 of the KIF1B gene, results from an A to G substitution at nucleotide position 404. The asparagine at codon 135 is replaced by serine, an amino acid with highly similar properties. This amino acid position is well conserved in available vertebrate species. In addition, this alteration is predicted to be tolerated by in silico analysis. Since supporting evidence is limited at this time, the clinical significance of this alteration remains unclear.